The following is an entry in ClinVar:

ClinVar aggregate classification (germline): Uncertain significance (1 of 4 stars; one submission).

Conditions:
DICER1-related tumor predisposition. Also called: DICER1-related pleuropulmonary blastoma cancer predisposition syndrome; DICER1 syndrome. Identifiers: Orphanet 284343, MedGen C3839822, MONDO:0100216.

Submission:

Labcorp Genetics (formerly Invitae), Labcorp
Classification: Uncertain significance for DICER1-related tumor predisposition. Last evaluated: 2024-08-07. Review status: criteria provided, single submitter. Criteria: Invitae Variant Classification Sherloc (09022015). Collection method: clinical testing. Allele origin: germline.
Comment: This sequence change replaces asparagine, which is neutral and polar, with aspartic acid, which is acidic and polar, at codon 514 of the DICER1 protein (p.Asn514Asp). This variant is not present in population databases (gnomAD no frequency). This variant has not been reported in the literature in individuals affected with DICER1-related conditions. Advanced modeling of protein sequence and biophysical properties (such as structural, functional, and spatial information, amino acid conservation, physicochemical variation, residue mobility, and thermodynamic stability) performed at Invitae indicates that this missense variant is expected to disrupt DICER1 protein function with a positive predictive value of 80%. In summary, the available evidence is currently insufficient to determine the role of this variant in disease. Therefore, it has been classified as a Variant of Uncertain Significance.

NM_177438.3(DICER1):c.1540A>G (p.Asn514Asp)

Gene: DICER1 (dicer 1, ribonuclease III; minus strand). Cytogenetic location: 14q32.13.
Variant type: single nucleotide variant.
Coding change: c.1540A>G on transcript NM_177438.3 (MANE Select); coding-DNA position 1540, A replaced by G.
Protein change: p.Asn514Asp; replaces asparagine 514 with aspartic acid.
Molecular consequence: missense variant. On other transcripts: non-coding transcript variant (6), intron variant (1).
Genome position (GRCh38, 1-based): chr14:95,116,665, T>C on the plus strand (A>G on the coding strand, the complement: DICER1 is on the minus strand). VCF-style: chr14-95116665-T-C. GRCh37 (hg19) VCF-style: chr14-95583002-T-C.
Other names: c.1135A>G, p.Asn379Asp (NM_001395689.1, NM_001395690.1, NM_001395696.1 and 3 more transcripts); c.973A>G, p.Asn325Asp (NM_001395691.1); c.1540A>G, p.Asn514Asp (NM_001395692.1, NM_001395693.1, NM_001395694.1 and 12 more transcripts); c.1258A>G, p.Asn420Asp (NM_001395686.1); c.-59-85A>G (NM_001395697.1); short protein forms N420D, N325D, N379D, N514D.
Identifiers: ClinVar variation 3661622 (VCV003661622.2).
Genomic context (GRCh38, chr14:95,116,665, plus strand): 5'-CCAAGTTGCATTTTGGTATATCAACACCCTCTTCTACAATACTTGTTGCAATAAGCAGGT[T>C]GGTCTCATGTGCTCGAAATTTCCTAAGTACCTGAAAAAAAAAATCCACCAAGAAAAGCAC-3'
Protein context (NP_803187.1, residues 504-524): VLRKFRAHET[Asn514Asp]LLIATSIVEE